The following is an entry in ClinVar:

NM_005733.3(KIF20A):c.2251C>T (p.Leu751Phe)

Gene: KIF20A (kinesin family member 20A; plus strand). Cytogenetic location: 5q31.2.
Variant type: single nucleotide variant.
Coding change: c.2251C>T on transcript NM_005733.3 (MANE Select); coding-DNA position 2251, C replaced by T.
Protein change: p.Leu751Phe; replaces leucine 751 with phenylalanine.
Molecular consequence: missense variant.
Genome position (GRCh38, 1-based): chr5:138,186,327, C>T. VCF-style: chr5-138186327-C-T. GRCh37 (hg19) VCF-style: chr5-137522016-C-T.
Other names: c.2251C>T (NM_005733.2); short protein forms L751F.
Identifiers: ClinVar variation 1396345 (VCV001396345.8), dbSNP rs200327073, ClinGen allele CA3426869.

ClinVar aggregate classification (germline): Uncertain significance. Review status: criteria provided, multiple submitters, no conflicts (2 of 4 stars). 2 submissions from 2 submitters: Uncertain significance (2). Last evaluated 2026-01-14.

Allele frequency attached by ClinVar (database versions not stated): gnomAD exomes 0.00012 and 0.00025; TOPMed 0.00012; gnomAD 0.00015 and 0.00016; ExAC 0.00040.
gnomAD v4.1: 194 of 1,598,438 alleles (0.012%); highest among the groups gnomAD compares: Non-Finnish European, 0.012%; 1 homozygote.

Submissions (2):

Labcorp Genetics (formerly Invitae), Labcorp
Classification: Uncertain significance. Last evaluated: 2026-01-14. Review status: criteria provided, single submitter. Criteria: Invitae Variant Classification Sherloc (09022015). Collection method: clinical testing. Allele origin: germline.
Comment: This sequence change replaces leucine, which is neutral and non-polar, with phenylalanine, which is neutral and non-polar, at codon 751 of the KIF20A protein (p.Leu751Phe). This variant is present in population databases (rs200327073, gnomAD 0.04%). This variant has not been reported in the literature in individuals affected with KIF20A-related conditions. ClinVar contains an entry for this variant (Variation ID: 1396345). An algorithm developed to predict the effect of missense changes on protein structure and function (PolyPhen-2) suggests that this variant is likely to be tolerated. In summary, the available evidence is currently insufficient to determine the role of this variant in disease. Therefore, it has been classified as a Variant of Uncertain Significance.

Ambry Genetics
Classification: Uncertain significance. Last evaluated: 2025-11-26. Review status: criteria provided, single submitter. Criteria: Ambry Variant Classification Scheme 2023. Collection method: clinical testing. Allele origin: germline.